The following is an entry in ClinVar:

NM_001122955.4(BSCL2):c.209C>T (p.Pro70Leu)

Genes: BSCL2 (BSCL2 lipid droplet biogenesis associated, seipin; minus strand), HNRNPUL2-BSCL2 (HNRNPUL2-BSCL2 readthrough (NMD candidate); minus strand). Cytogenetic location: 11q12.3.
Variant type: single nucleotide variant.
Coding change: c.209C>T on transcript NM_001122955.4 (MANE Select); coding-DNA position 209, C replaced by T.
Protein change: p.Pro70Leu; replaces proline 70 with leucine.
Molecular consequence: missense variant. On other transcripts: non-coding transcript variant (1).
Genome position (GRCh38, 1-based): chr11:62,705,496, G>A on the plus strand (C>T on the coding strand, the complement: BSCL2 is on the minus strand). VCF-style: chr11-62705496-G-A. GRCh37 (hg19) VCF-style: chr11-62472968-G-A.
Other names: c.17C>T, p.Pro6Leu (NM_001130702.2, NM_032667.6); c.209C>T, p.Pro70Leu (NM_001386027.1, NM_001386028.1); short protein forms P6L, P70L.
Identifiers: ClinVar variation 855221 (VCV000855221.9), dbSNP rs764226928, ClinGen allele CA6053639.
Genomic context (GRCh38, chr11:62,705,496, plus strand): 5'-CTGCGGGCACGGCCTGCCAAGACTTGGCCCACCTCCTGGGCCCACAGTAAGGCAGGTACT[G>A]GAGGGTCGTTGACCATGGCCGGGAGAGCAGGGTGTCTGGCCCCAGGTTCAGGCCTTGCGT-3'
Protein context (NP_001116427.1, residues 60-80): PALPAMVNDP[Pro70Leu]VPALLWAQEV

ClinVar aggregate classification (germline): Uncertain significance (1 of 4 stars; one submission).

Conditions:
Charcot-Marie-Tooth disease type 2. Also called: Charcot-Marie-Tooth type 2. Identifiers: Orphanet 64746, MedGen C0270914, MONDO:0018993.

Allele frequency attached by ClinVar (database versions not stated): ExAC 0.00001; gnomAD 0.00001; gnomAD exomes 0.00001 and below 0.00001; TOPMed 0.00001.
gnomAD v4.1: 10 of 1,614,072 alleles (0.00062%); highest among the groups gnomAD compares: African/African-American, 0.0027%; no homozygotes.

Submission:

Labcorp Genetics (formerly Invitae), Labcorp
Classification: Uncertain significance for Charcot-Marie-Tooth disease type 2. Last evaluated: 2020-05-11. Review status: criteria provided, single submitter. Criteria: Invitae Variant Classification Sherloc (09022015). Collection method: clinical testing. Allele origin: germline.
Comment: This sequence change replaces proline with leucine at codon 6 of the BSCL2 protein (p.Pro6Leu). The proline residue is highly conserved and there is a moderate physicochemical difference between proline and leucine. This variant is present in population databases (rs764226928, ExAC 0.002%). This variant has not been reported in the literature in individuals with BSCL2-related conditions. Algorithms developed to predict the effect of missense changes on protein structure and function are either unavailable or do not agree on the potential impact of this missense change (SIFT: "Deleterious"; PolyPhen-2: "Benign"; Align-GVGD: "Class C0"). In summary, the available evidence is currently insufficient to determine the role of this variant in disease. Therefore, it has been classified as a Variant of Uncertain Significance.